The following is an entry in ClinVar:

ClinVar aggregate classification (germline): Uncertain significance (1 of 4 stars; one submission).

Submission:

GeneDx
Classification: Uncertain significance. Last evaluated: 2022-08-11. Review status: criteria provided, single submitter. Criteria: GeneDx Variant Classification Process June 2021. Collection method: clinical testing. Allele origin: germline. Affected: yes.
Comment: Not observed at significant frequency in large population cohorts (gnomAD); Canonical splice site variant with an unclear effect on protein function; Has not been previously published as pathogenic or benign to our knowledge

NM_031844.3(HNRNPU):c.691+1G>A

Gene: HNRNPU (heterogeneous nuclear ribonucleoprotein U; minus strand). Cytogenetic location: 1q44.
Variant type: single nucleotide variant.
Coding change: c.691+1G>A on transcript NM_031844.3 (MANE Select); the canonical splice donor site of the intron after coding-DNA position 691, G replaced by A.
Molecular consequence: splice donor variant. On other transcripts: intron variant (1).
Genome position (GRCh38, 1-based): chr1:244,863,616, C>T on the plus strand (G>A on the coding strand, the complement: HNRNPU is on the minus strand). VCF-style: chr1-244863616-C-T. GRCh37 (hg19) VCF-style: chr1-245026918-C-T.
Other names: c.634+58G>A (NM_004501.3).
Identifiers: ClinVar variation 2430756 (VCV002430756.1), dbSNP rs1680915837, ClinGen allele CA345495941.
Genomic context (GRCh38, chr1:244,863,616, plus strand): 5'-GGGCACGGTCCCCACCCCGCGCGGGCCTCCCGCCGCGCGCAACGTACAACGCAGCACTCA[C>T]CCGCCGCCGGAGCCCCGGGGCGACCGCCGCCTCCGCCGCCTTCCGCCTTCTTCTTACCTC-3'